The following is an entry in ClinVar:

NM_000059.4(BRCA2):c.8026A>G (p.Met2676Val)

Gene: BRCA2 (BRCA2 DNA repair associated; plus strand). Cytogenetic location: 13q13.1.
Variant type: single nucleotide variant.
Coding change: c.8026A>G on transcript NM_000059.4 (MANE Select); coding-DNA position 8026, A replaced by G.
Protein change: p.Met2676Val; replaces methionine 2676 with valine.
Molecular consequence: missense variant.
Genome position (GRCh38, 1-based): chr13:32,363,228, A>G. VCF-style: chr13-32363228-A-G. GRCh37 (hg19) VCF-style: chr13-32937365-A-G.
Other names: short protein forms M2676V.
Identifiers: ClinVar variation 236912 (VCV000236912.10), dbSNP rs878853607, ClinGen allele CA10583137.

ClinVar aggregate classification (germline): Uncertain significance. Review status: criteria provided, multiple submitters, no conflicts (2 of 4 stars). 2 submissions from 2 submitters: Uncertain significance (2). Last evaluated 2024-08-23.

Conditions:
BRCA2-related cancer predisposition. Identifiers: MedGen CN377758, MONDO:0700269.
Hereditary breast ovarian cancer syndrome. Also called: BRCA1- and BRCA2-Associated Hereditary Breast and Ovarian Cancer; Hereditary breast and ovarian cancer syndrome; Hereditary breast and ovarian cancer; Hereditary breast and ovarian cancer syndrome (HBOC); Breast and ovarian cancer; Hereditary breast and/or ovarian cancer syndrome. Identifiers: Orphanet 145, MedGen C0677776, MeSH D061325, MONDO:0003582. Disease mechanism: loss of function.

Submissions (2):

All of Us Research Program, National Institutes of Health
Classification: Uncertain significance for BRCA2-related cancer predisposition. Last evaluated: 2024-08-23. Review status: criteria provided, single submitter. Criteria: ACMG Guidelines, 2015. Collection method: clinical testing. Allele origin: germline. Inheritance: Autosomal dominant inheritance. Observed: 1 variant allele, 1 heterozygote.
Comment: This missense variant replaces methionine with valine at codon 2676 of the BRCA2 protein. Computational prediction suggests that this variant may not impact protein structure and function (internally defined REVEL score threshold <= 0.5, PMID: 27666373). To our knowledge, functional studies have not been reported for this variant. This variant has not been reported in individuals affected with BRCA2-related disorders in the literature. This variant has not been identified in the general population by the Genome Aggregation Database (gnomAD). The available evidence is insufficient to determine the role of this variant in disease conclusively. Therefore, this variant is classified as a Variant of Uncertain Significance.

This study involves interpretation of variants in research participants for the purpose of population health screening. Participant phenotype was not available at the time of variant classification. Additional details can be found in publication PMID: 35346344, PMCID: PMC8962531

Labcorp Genetics (formerly Invitae), Labcorp
Classification: Uncertain significance for Hereditary breast ovarian cancer syndrome. Last evaluated: 2022-01-27. Review status: criteria provided, single submitter. Criteria: Invitae Variant Classification Sherloc (09022015). Collection method: clinical testing. Allele origin: germline.
Comment: ClinVar contains an entry for this variant (Variation ID: 236912). In summary, the available evidence is currently insufficient to determine the role of this variant in disease. Therefore, it has been classified as a Variant of Uncertain Significance. Advanced modeling of protein sequence and biophysical properties (such as structural, functional, and spatial information, amino acid conservation, physicochemical variation, residue mobility, and thermodynamic stability) performed at Invitae indicates that this missense variant is not expected to disrupt BRCA2 protein function. This variant has not been reported in the literature in individuals affected with BRCA2-related conditions. This variant is not present in population databases (gnomAD no frequency). This sequence change replaces methionine, which is neutral and non-polar, with valine, which is neutral and non-polar, at codon 2676 of the BRCA2 protein (p.Met2676Val).